The following is an entry in ClinVar:

NM_003105.6(SORL1):c.4910A>C (p.Asn1637Thr)

Gene: SORL1 (sortilin related receptor 1; plus strand). Cytogenetic location: 11q24.1.
Variant type: single nucleotide variant.
Coding change: c.4910A>C on transcript NM_003105.6 (MANE Select); coding-DNA position 4910, A replaced by C.
Protein change: p.Asn1637Thr; replaces asparagine 1637 with threonine.
Molecular consequence: missense variant.
Genome position (GRCh38, 1-based): chr11:121,605,533, A>C. VCF-style: chr11-121605533-A-C. GRCh37 (hg19) VCF-style: chr11-121476242-A-C.
Other names: short protein forms N1637T.
Identifiers: ClinVar variation 4690401 (VCV004690401.1).

ClinVar aggregate classification (germline): Uncertain significance (1 of 4 stars; one submission).

gnomAD v4.1: 27 of 1,614,166 alleles (0.0017%); highest among the groups gnomAD compares: South Asian, 0.021%; no homozygotes.

Submission:

Labcorp Genetics (formerly Invitae), Labcorp
Classification: Uncertain significance. Last evaluated: 2025-04-15. Review status: criteria provided, single submitter. Criteria: Invitae Variant Classification Sherloc (09022015). Collection method: clinical testing. Allele origin: germline.
Comment: This sequence change replaces asparagine, which is neutral and polar, with threonine, which is neutral and polar, at codon 1637 of the SORL1 protein (p.Asn1637Thr). This variant is present in population databases (rs539887207, gnomAD 0.03%). This variant has not been reported in the literature in individuals affected with SORL1-related conditions. An algorithm developed to predict the effect of missense changes on protein structure and function (PolyPhen-2) suggests that this variant is likely to be tolerated. In summary, the available evidence is currently insufficient to determine the role of this variant in disease. Therefore, it has been classified as a Variant of Uncertain Significance.